The following is an entry in ClinVar:

NM_006231.4(POLE):c.1083C>G (p.Thr361=)

Gene: POLE (DNA polymerase epsilon, catalytic subunit; minus strand). Cytogenetic location: 12q24.33.
Variant type: single nucleotide variant.
Coding change: c.1083C>G on transcript NM_006231.4 (MANE Select); coding-DNA position 1083, C replaced by G.
Protein change: p.Thr361=; no amino-acid change (threonine 361 retained).
Molecular consequence: synonymous variant.
Genome position (GRCh38, 1-based): chr12:132,675,758, G>C on the plus strand (C>G on the coding strand, the complement: POLE is on the minus strand). VCF-style: chr12-132675758-G-C. GRCh37 (hg19) VCF-style: chr12-133252344-G-C.
Identifiers: ClinVar variation 486960 (VCV000486960.6), dbSNP rs1555229211, ClinGen allele CA482849747.

ClinVar aggregate classification (germline): Benign/Likely benign. Review status: criteria provided, multiple submitters, no conflicts (2 of 4 stars). 2 submissions from 2 submitters: Benign (1); Likely benign (1). Last evaluated 2025-02-10.

Conditions:
Hereditary cancer-predisposing syndrome. Also called: Tumor predisposition; Hereditary Cancer Syndrome; Hereditary neoplastic syndrome; Neoplastic Syndromes, Hereditary. Identifiers: Orphanet 140162, MedGen C0027672, MeSH D009386, MONDO:0015356.
Colorectal cancer, susceptibility to, 12 (CRCS12). Also called: COLORECTAL CANCER, SUSCEPTIBILITY TO, ON CHROMOSOME 12q24. Identifiers: Orphanet 220460, MedGen C3554460, MONDO:0014038, OMIM 615083.

Submissions (2):

Myriad Genetics, Inc.
Classification: Benign for Colorectal cancer, susceptibility to, 12. Last evaluated: 2025-02-10. Review status: criteria provided, single submitter. Criteria: Myriad Autosomal Dominant, Autosomal Recessive and X-Linked Classification Criteria (2023). Collection method: clinical testing. Allele origin: unknown.
Comment: This variant is considered benign. This variant is a silent/synonymous amino acid change and it is not expected to impact splicing.

Ambry Genetics
Classification: Likely benign for Hereditary cancer-predisposing syndrome. Last evaluated: 2016-03-20. Review status: criteria provided, single submitter. Criteria: Ambry Variant Classification Scheme 2023. Collection method: clinical testing. Allele origin: germline.